The following is an entry in ClinVar:

ClinVar aggregate classification (germline): Benign. Review status: criteria provided, multiple submitters, no conflicts (2 of 4 stars). 2 submissions from 2 submitters: Benign (2). Last evaluated 2018-06-14.

Allele frequency attached by ClinVar (database versions not stated): 1000 Genomes Project 30x 0.98720; TOPMed 0.98725; gnomAD 0.98797 and 0.98882; 1000 Genomes Project 0.98802.
gnomAD v4.1: 1,171,269 of 1,174,296 alleles (100%); highest among the groups gnomAD compares: East Asian, 100%; 584,176 homozygotes.

Submissions (2):

GeneDx
Classification: Benign. Last evaluated: 2018-06-14. Review status: criteria provided, single submitter. Criteria: GeneDx Variant Classification (06012015). Collection method: clinical testing. Allele origin: germline. Affected: yes.
Comment: This variant is considered likely benign or benign based on one or more of the following criteria: it is a conservative change, it occurs at a poorly conserved position in the protein, it is predicted to be benign by multiple in silico algorithms, and/or has population frequency not consistent with disease.

Breakthrough Genomics
Classification: Benign. Review status: criteria provided, single submitter. Criteria: ACMG Guidelines, 2015. Collection method: not provided. Allele origin: germline. Inheritance: Autosomal recessive inheritance. Affected: yes.

NM_030962.4(SBF2):c.2364-94C>A

Genes: SBF2 (SET binding factor 2; minus strand), LOC101928008 (uncharacterized LOC101928008; plus strand). Cytogenetic location: 11p15.4.
Variant type: single nucleotide variant.
Coding change: c.2364-94C>A on transcript NM_030962.4 (MANE Select); 94 bases into the intron before coding-DNA position 2364, C replaced by A.
Molecular consequence: intron variant.
Genome position (GRCh38, 1-based): chr11:9,853,806, G>T on the plus strand (C>A on the coding strand, the complement: SBF2 is on the minus strand). VCF-style: chr11-9853806-G-T. GRCh37 (hg19) VCF-style: chr11-9875353-G-T.
Other names: c.2235-94C>A (NM_001386342.1); c.2364-94C>A (NM_001386339.1).
Identifiers: ClinVar variation 670561 (VCV000670561.2), dbSNP rs375686, ClinGen allele CA217620807.